The following is an entry in ClinVar:

ClinVar aggregate classification (germline): Uncertain significance (1 of 4 stars; one submission).

Allele frequency attached by ClinVar (database versions not stated): gnomAD exomes below 0.00001.
gnomAD v4.1: 2 of 1,614,014 alleles (0.00012%); highest among the groups gnomAD compares: Non-Finnish European, 0.00017%; no homozygotes.

Submission:

Labcorp Genetics (formerly Invitae), Labcorp
Classification: Uncertain significance. Last evaluated: 2025-03-31. Review status: criteria provided, single submitter. Criteria: Invitae Variant Classification Sherloc (09022015). Collection method: clinical testing. Allele origin: germline.
Comment: This sequence change replaces lysine, which is basic and polar, with arginine, which is basic and polar, at codon 1590 of the KMT2A protein (p.Lys1590Arg). This variant is not present in population databases (gnomAD no frequency). This variant has not been reported in the literature in individuals affected with KMT2A-related conditions. ClinVar contains an entry for this variant (Variation ID: 1721841). Invitae Evidence Modeling of protein sequence and biophysical properties (such as structural, functional, and spatial information, amino acid conservation, physicochemical variation, residue mobility, and thermodynamic stability) indicates that this missense variant is not expected to disrupt KMT2A protein function with a negative predictive value of 95%. In summary, the available evidence is currently insufficient to determine the role of this variant in disease. Therefore, it has been classified as a Variant of Uncertain Significance.

NM_001197104.2(KMT2A):c.4769A>G (p.Lys1590Arg)

Gene: KMT2A (lysine methyltransferase 2A; plus strand). Cytogenetic location: 11q23.3.
Variant type: single nucleotide variant.
Coding change: c.4769A>G on transcript NM_001197104.2 (MANE Select); coding-DNA position 4769, A replaced by G.
Protein change: p.Lys1590Arg; replaces lysine 1590 with arginine.
Molecular consequence: missense variant.
Genome position (GRCh38, 1-based): chr11:118,491,268, A>G. VCF-style: chr11-118491268-A-G. GRCh37 (hg19) VCF-style: chr11-118361983-A-G.
Other names: c.4868A>G, p.Lys1623Arg (NM_001412597.1); c.4769A>G, p.Lys1590Arg (NM_005933.4); short protein forms K1590R, K1623R.
Identifiers: ClinVar variation 1721841 (VCV001721841.5), dbSNP rs2134338914, ClinGen allele CA382834420.